The following is an entry in ClinVar:

NM_001298.3(CNGA3):c.1110del (p.Pro372_Val373insTer)

Gene: CNGA3 (cyclic nucleotide gated channel subunit alpha 3; plus strand). Cytogenetic location: 2q11.2.
Variant type: Deletion.
Coding change: c.1110del on transcript NM_001298.3 (MANE Select); coding-DNA position 1110, one base deleted (A; older notation c.1110delA).
Protein change: p.Pro372_Val373insTer.
Molecular consequence: frameshift variant.
Genome position (GRCh38, 1-based): chr2:98,396,280, A deleted. VCF-style (leftmost placement, unchanged base first): chr2-98396279-CA-C. GRCh37 (hg19) VCF-style: chr2-99012742-CA-C.
Other names: c.1056del, p.Pro354_Val355insTer (NM_001079878.2).
Identifiers: ClinVar variation 2002926 (VCV002002926.4), dbSNP rs2467029198, ClinGen allele CA2580068355.
Genomic context (GRCh38, chr2:98,396,279, plus strand): 5'-GGAAGTACATTTACAGTCTCTACTGGTCCACCTTGACCCTTACCACCATTGGTGAGACCC[CA>C]CCCCCCGTGAAAGATGAGGAGTATCTCTTTGTGGTCGTAGACTTCTTGGTGGGTGTTCTG-3'

ClinVar aggregate classification (germline): Pathogenic (1 of 4 stars; one submission).

Submission:

Labcorp Genetics (formerly Invitae), Labcorp
Classification: Pathogenic. Last evaluated: 2022-09-13. Review status: criteria provided, single submitter. Criteria: Invitae Variant Classification Sherloc (09022015). Collection method: clinical testing. Allele origin: germline.
Comment: This variant is not present in population databases (gnomAD no frequency). This premature translational stop signal has been observed in individual(s) with achromatopsia (PMID: 28159970). This variant disrupts a region of the CNGA3 protein in which other variant(s) (p.Arg569His) have been determined to be pathogenic (PMID: 11536077, 17693388, 24148654, 26493561, 30337596). This suggests that this is a clinically significant region of the protein, and that variants that disrupt it are likely to be disease-causing. For these reasons, this variant has been classified as Pathogenic. This sequence change creates a premature translational stop signal (p.Val373*) in the CNGA3 gene. While this is not anticipated to result in nonsense mediated decay, it is expected to disrupt the last 322 amino acid(s) of the CNGA3 protein.

Literature cited by the submitters: PubMed 28159970; PubMed 11536077; PubMed 17693388; PubMed 24148654; PubMed 26493561; PubMed 30337596.